The following is an entry in ClinVar:

ClinVar aggregate classification (germline): Uncertain significance. Review status: criteria provided, multiple submitters, no conflicts (2 of 4 stars). 2 submissions from 2 submitters: Uncertain significance (2). Last evaluated 2026-08-06.

Allele frequency attached by ClinVar (database versions not stated): gnomAD exomes 0.00001; ExAC 0.00003; gnomAD 0.00003.

Submissions (2):

OLLIN Analises Genomicas, OLLIN
Classification: Uncertain significance. Last evaluated: 2026-08-06. Review status: criteria provided, single submitter. Criteria: ACMG Guidelines 2015 PMID 25741868. Collection method: clinical testing. Allele origin: germline.
Comment: This missense variant, located in exon 11 (of 38), has been reported in ClinVar (accession VCV002230241.3) and in gnomAD with an allele frequency of 0.0012%. However, to our knowledge, it has not been reported in the scientific literature. In silico analysis predicts that this variant has a tolerated effect. According to the currently available evidence, this variant has been classified as uncertain significance (PM2_P, BP4_M).

Ambry Genetics
Classification: Uncertain significance. Last evaluated: 2024-12-30. Review status: criteria provided, single submitter. Criteria: Ambry Variant Classification Scheme 2023. Collection method: clinical testing. Allele origin: germline.

NM_025145.7(CFAP43):c.1441G>A (p.Val481Ile)

Gene: CFAP43 (cilia and flagella associated protein 43; minus strand). Cytogenetic location: 10q25.1.
Variant type: single nucleotide variant.
Coding change: c.1441G>A on transcript NM_025145.7 (MANE Select); coding-DNA position 1441, G replaced by A.
Protein change: p.Val481Ile; replaces valine 481 with isoleucine.
Molecular consequence: missense variant.
Genome position (GRCh38, 1-based): chr10:104,193,867, C>T on the plus strand (G>A on the coding strand, the complement: CFAP43 is on the minus strand). VCF-style: chr10-104193867-C-T. GRCh37 (hg19) VCF-style: chr10-105953625-C-T.
Other names: short protein forms V481I.
Identifiers: ClinVar variation 2230241 (VCV002230241.4), dbSNP rs755614555, ClinGen allele CA5680927.